The following continues an entry in ClinVar:

NM_000540.3(RYR1):c.5183C>T (p.Ser1728Phe)

Gene: RYR1. ClinVar aggregate classification (germline): Likely pathogenic. Likely pathogenic (1).

Submissions 8 to 20 of 20:

All of Us Research Program, National Institutes of Health
Classification: Likely pathogenic for Malignant hyperthermia, susceptibility to, 1. Last evaluated: 2024-09-24. Review status: criteria provided, single submitter. Criteria: ACMG Guidelines, 2015. Collection method: clinical testing. Allele origin: germline. Inheritance: Autosomal dominant inheritance. Observed: 9 variant alleles, 9 heterozygotes. Not counted in ClinVar's aggregate classification.
Comment: The c.5183C>T (p.Ser1728Phe) variant, located on the exon 34 of the RYR1 gene, replaces arginine with phenylalanine at codon 1728 of the RYR1 protein (p.Ser1728Phe). This missense change has been observed in ten individuals with personal or family histories of malignant hyperthermia reaction, positive in vitro contracture test (IVCT) or caffeine halothane contracture test (CHCT) (PMID:19648156, 30236257, 24195946). This variant has been reported to segregate with malignant hyperthermia susceptibility (MHS) in six unrelated families (PMID:19648156, 30236257). Computational prediction tools do not suggest a strongly deleterious impact on protein structure and function (REVEL score: 0.477). This variant is rare (1/246040 chromosomes) in the general population database by gnomAD. This variant has been classified as likely pathogenic by the expert review panel in ClinVar (ID: 133144). Therefore, the c.5183C>T (p.Ser1728Phe) variant in the RYR1 gene is classified as likely pathogenic.

This study involves interpretation of variants in research participants for the purpose of population health screening. Participant phenotype was not available at the time of variant classification. Additional details can be found in publication PMID: 35346344, PMCID: PMC8962531

Blueprint Genetics
Classification: Likely pathogenic for RYR1-related disorders. Last evaluated: 2024-06-10. Review status: criteria provided, single submitter. Criteria: ACMG Guidelines, 2015. Collection method: clinical testing. Allele origin: germline. Affected: yes. Observed: 4 variant alleles. Not counted in ClinVar's aggregate classification.

Revvity Omics, Revvity
Classification: Likely pathogenic. Last evaluated: 2023-09-22. Review status: criteria provided, single submitter. Criteria: ACMG Guidelines, 2015. Collection method: clinical testing. Allele origin: germline. Not counted in ClinVar's aggregate classification.

Fulgent Genetics
Classification: Likely pathogenic for Central core myopathy; Malignant hyperthermia, susceptibility to, 1; Congenital myopathy 4A, autosomal dominant; Congenital multicore myopathy with external ophthalmoplegia; King Denborough syndrome. Last evaluated: 2021-10-22. Review status: criteria provided, single submitter. Criteria: ACMG Guidelines, 2015. Collection method: clinical testing. Allele origin: unknown. Not counted in ClinVar's aggregate classification.

National Institute of Allergy and Infectious Diseases - Centralized Sequencing Program, National Institutes of Health
Classification: Pathogenic for Malignant hyperthermia susceptibility 1. Last evaluated: 2021-08-06. Review status: criteria provided, single submitter. Criteria: ACMG Guidelines, 2015. Collection method: clinical testing. Allele origin: germline. Affected: no. Not counted in ClinVar's aggregate classification.

HudsonAlpha Institute for Biotechnology
Classification: Likely pathogenic for Malignant hyperthermia, susceptibility to, 1. Last evaluated: 2020-09-03. Review status: criteria provided, single submitter. Criteria: ACMG Guidelines, 2015. Collection method: research. Allele origin: maternal. Observed: 1 variant allele. Study: CSER-SouthSeq. Not counted in ClinVar's aggregate classification.
Comment: ACMG codes:PS4, PM2, PP3, PP5

Laboratory for Molecular Medicine, Mass General Brigham Personalized Medicine
Classification: Likely pathogenic for Malignant hyperthermia of anesthesia. Last evaluated: 2020-02-11. Review status: criteria provided, single submitter. Criteria: LMM Criteria. Collection method: clinical testing. Allele origin: germline. Inheritance: Autosomal dominant inheritance. Observed: 2 variant alleles. Not counted in ClinVar's aggregate classification.
Comment: The p.Ser1728Phe variant in RYR1 has been reported in at least 8 individuals with malignant hyperthermia susceptibility (MH) and segregated with disease in 6 affected family members (Robinson 2006 PMID:16917943, Dalton 2007 (thesis), Carpenter 2009 PMID 19648156, Miller 2018 PMID 30236257). In one family, it was reported not to segregate clearly with disease (with phenotyping based on in vitro contracture tests; IVCT) but no specific details were provided (Miller 2018 PMID 30236257). In addition, it has been reported at least 1 individual with no personal or family history of MH (Gonsalves 2013 PMID 24195946), was identified in 1/34500 Latino chromosomes by gnomAD and has also been reported in ClinVar (Variation ID 133144). Notably, IVCT performed on muscle tissue from individuals carrying this variant suggest that the p.Ser1728Phe variant may be associated with weaker MH phenotypes (Carpenter 2009 PMID 19648156). Computational prediction tools and conservation analysis suggest that the variant may not impact the protein. In summary, although additional studies are required to fully establish its clinical significance, this variant meets criteria to be classified as likely pathogenic for autosomal dominant MH with a less severe phenotype than other disease causing RYR1 variants. ACMG/AMP Criteria applied: PM2, PS4_Moderate, PP1_Moderate, PS3_Moderate, BP4.

Ambry Genetics
Classification: Likely pathogenic for Inborn genetic diseases. Last evaluated: 2016-08-04. Review status: criteria provided, single submitter. Criteria: Ambry exome assertion method (8-5-2015). Collection method: clinical testing. Allele origin: germline. Affected: yes. Observed: 1 variant allele. Not counted in ClinVar's aggregate classification.

Biesecker Lab/Clinical Genomics Section, National Institutes of Health
Classification: Pathogenic for Malignant hyperthermia, susceptibility to, 1. Last evaluated: 2013-07-01. Review status: criteria provided, single submitter. Criteria: Gonsalves et al. 2013. Collection method: research. Allele origin: unknown. Observed: 1 variant allele. Study: ClinSeq. Not counted in ClinVar's aggregate classification.
Comment: The study set was not selected for affection status in relation to any myopathy. Pathogenicity categories were based on literature curation. See Pubmed ID: 24195946 for details.

Rady Children's Institute for Genomic Medicine, Rady Children's Hospital San Diego
Classification: Likely pathogenic for MALIGNANT HYPERTHERMIA, SUSCEPTIBILITY TO, 1. Review status: criteria provided, single submitter. Criteria: ACMG Guidelines, 2015. Collection method: clinical testing. Allele origin: germline. Affected: yes. Not counted in ClinVar's aggregate classification.
Comment: This variant has been previously reported as a heterozygous change in patients with malignant hyperthermia (MH) susceptibility (PMID: 19648156, 30236257). In vitro contracture tests have shown this variant may be associated with a weaker MH phenotype (PMID: 19648156). The c.5183C>T (p.Ser1728Phe) variant is present in the heterozygous state in the gnomAD population database at a frequency of 0.0004% (1/246040) and is absent in the homozygous state, thus is presumed to be rare. The c.5183C>T (p.Ser1728Phe) variant affects a moderately conserved amino acid; however, in silico tools used to predict the effect of this variant on protein function yield discordant results. Based on the available evidence, the c.5183C>T (p.Ser1728Phe) variant is classified as Likely Pathogenic.

PreventionGenetics, part of Exact Sciences
Classification: Likely pathogenic for RYR1-related condition. Last evaluated: 2024-09-03. Review status: no assertion criteria provided. Collection method: clinical testing. Allele origin: germline. Not counted in ClinVar's aggregate classification.
Comment: The RYR1 c.5183C>T variant is predicted to result in the amino acid substitution p.Ser1728Phe. This variant has been reported to be causative for malignant hyperthermia (MH) in several patients (Robinson et al. 2006. PubMed ID: 16917943; Carpenter et al. 2009. PubMed ID: 19648156). We have also observed this variant in two additional patients at PreventionGenetics (internal data). This variant has been interpreted as likely pathogenic by the the ClinGen Malignant Hyperthermia Susceptibility Variant Curation Expert Panel. A different substitution at the same amino acid (p.Ser1728Pro) has also been reported to be causative for RYR1-related disorders (Sambuughin et al. 2005. PubMed ID: 15731587). In summary, the c.5183C>T (p.Ser1728Phe) variant is categorized as likely pathogenic.

CSER _CC_NCGL, University of Washington
Classification: Pathogenic for Malignant hyperthermia. Last evaluated: 2014-06-01. Review status: no assertion criteria provided. Collection method: research. Allele origin: germline. Inheritance: Autosomal dominant inheritance. Study: ESP 6500 variant annotation. Not counted in ClinVar's aggregate classification.
Comment: Variants classified for the Actionable exomic incidental findings in 6503 participants: challenges of variant classification manuscript

RYR1 database
No classification provided. Review status: no classification provided. Collection method: not provided. Allele origin: unknown. Not counted in ClinVar's aggregate classification.

Literature cited by the submitters: PubMed 30236257 (cited by 5 submitters); PubMed 15731587 (cited by 5 submitters); PubMed 19648156 (cited by 5 submitters); PubMed 16917943 (cited by 3 submitters); PubMed 31559918 (cited by Labcorp Genetics (formerly Invitae), Labcorp); PubMed 24195946 (cited by 3 submitters); PubMed 18193641 (cited by Laboratory for Molecular Medicine, Mass General Brigham Personalized Medicine); PubMed 20566647 (cited by Laboratory for Molecular Medicine, Mass General Brigham Personalized Medicine).